The following is an entry in ClinVar:

ClinVar aggregate classification (germline): Uncertain significance. Review status: criteria provided, multiple submitters, no conflicts (2 of 4 stars). 4 submissions from 4 submitters: Uncertain significance (4). Last evaluated 2024-04-10.

Conditions:
Ataxia-telangiectasia-like disorder (ATLD). Identifiers: MedGen C1858391, MONDO:0011457.
Hereditary cancer-predisposing syndrome. Also called: Hereditary neoplastic syndrome; Hereditary Cancer Syndrome; Neoplastic Syndromes, Hereditary; Tumor predisposition. Identifiers: Orphanet 140162, MedGen C0027672, MeSH D009386, MONDO:0015356.
Ataxia-telangiectasia-like disorder 1 (ATLD1). Identifiers: Orphanet 251347, MedGen C4012790, MONDO:0024557, OMIM 604391.

Allele frequency attached by ClinVar (database versions not stated): TOPMed 0.00003.

Submissions (4):

Labcorp Genetics (formerly Invitae), Labcorp
Classification: Uncertain significance for Ataxia-telangiectasia-like disorder. Last evaluated: 2024-04-10. Review status: criteria provided, single submitter. Criteria: Invitae Variant Classification Sherloc (09022015). Collection method: clinical testing. Allele origin: germline.
Comment: This sequence change replaces aspartic acid, which is acidic and polar, with histidine, which is basic and polar, at codon 41 of the MRE11 protein (p.Asp41His). This variant is present in population databases (no rsID available, gnomAD 0.009%). This variant has not been reported in the literature in individuals affected with MRE11-related conditions. ClinVar contains an entry for this variant (Variation ID: 230065). An algorithm developed to predict the effect of missense changes on protein structure and function (PolyPhen-2) suggests that this variant is likely to be disruptive. In summary, the available evidence is currently insufficient to determine the role of this variant in disease. Therefore, it has been classified as a Variant of Uncertain Significance.

Baylor Genetics
Classification: Uncertain significance for Ataxia-telangiectasia-like disorder 1. Last evaluated: 2024-03-24. Review status: criteria provided, single submitter. Criteria: ACMG Guidelines, 2015. Collection method: clinical testing. Allele origin: unknown.

Ambry Genetics
Classification: Uncertain significance for Hereditary cancer-predisposing syndrome. Last evaluated: 2023-01-18. Review status: criteria provided, single submitter. Criteria: Ambry Variant Classification Scheme 2023. Collection method: clinical testing. Allele origin: germline.
Comment: The p.D41H variant (also known as c.121G>C), located in coding exon 2 of the MRE11A gene, results from a G to C substitution at nucleotide position 121. The aspartic acid at codon 41 is replaced by histidine, an amino acid with similar properties. This amino acid position is not well conserved in available vertebrate species. In addition, this alteration is predicted to be tolerated by in silico analysis. Since supporting evidence is limited at this time, the clinical significance of this alteration remains unclear.

Sema4
Classification: Uncertain significance for Hereditary cancer-predisposing syndrome. Last evaluated: 2021-10-27. Review status: criteria provided, single submitter. Criteria: Sema4 Curation Guidelines. Collection method: curation. Allele origin: germline.
Comment: The MRE11 c.121G>C (p.D41H) variant has not been reported in the literature to our knowledge. It was observed in 3/34592 chromosomes of the Latino subpopulation in the large and broad cohorts of the Genome Aggregation Database (PMID: 32461654), and has been reported in ClinVar (Variation ID 230065). Functional studies have not been performed, and in silico predictions of the variant's effect on protein function are inconclusive. The evidence is insufficient to meet ACMG/AMP criteria for classifying the variant as benign or pathogenic. Thus, the clinical significance of this variant is currently uncertain.

NM_005591.4(MRE11):c.121G>C (p.Asp41His)

Gene: MRE11 (MRE11 double strand break repair nuclease; minus strand). Cytogenetic location: 11q21.
Variant type: single nucleotide variant.
Coding change: c.121G>C on transcript NM_005591.4 (MANE Select); coding-DNA position 121, G replaced by C.
Protein change: p.Asp41His; replaces aspartic acid 41 with histidine.
Molecular consequence: missense variant.
Genome position (GRCh38, 1-based): chr11:94,490,865, C>G on the plus strand (G>C on the coding strand, the complement: MRE11 is on the minus strand). VCF-style: chr11-94490865-C-G. GRCh37 (hg19) VCF-style: chr11-94224031-C-G.
Other names: c.121G>C, p.Asp41His (NM_001330347.2, NM_005590.4); short protein forms D41H.
Identifiers: ClinVar variation 230065 (VCV000230065.16), dbSNP rs116679717, ClinGen allele CA10579423.